The following is an entry in ClinVar:

ClinVar aggregate classification (germline): Uncertain significance (1 of 4 stars; one submission).

Submission:

Labcorp Genetics (formerly Invitae), Labcorp
Classification: Uncertain significance. Last evaluated: 2022-08-22. Review status: criteria provided, single submitter. Criteria: Invitae Variant Classification Sherloc (09022015). Collection method: clinical testing. Allele origin: germline.
Comment: In summary, the available evidence is currently insufficient to determine the role of this variant in disease. Therefore, it has been classified as a Variant of Uncertain Significance. Algorithms developed to predict the effect of sequence changes on RNA splicing suggest that this variant may disrupt the consensus splice site. This variant has not been reported in the literature in individuals affected with ACAN-related conditions. This variant is not present in population databases (gnomAD no frequency). This sequence change affects codon 535 of the ACAN mRNA. It is a 'silent' change, meaning that it does not change the encoded amino acid sequence of the ACAN protein. It affects a nucleotide within the consensus splice site.

NM_001369268.1(ACAN):c.1603A>C (p.Arg535=)

Gene: ACAN (aggrecan; plus strand). Cytogenetic location: 15q26.1.
Variant type: single nucleotide variant.
Coding change: c.1603A>C on transcript NM_001369268.1 (MANE Select); coding-DNA position 1603, A replaced by C.
Protein change: p.Arg535=; no amino-acid change (arginine 535 retained).
Molecular consequence: synonymous variant.
Genome position (GRCh38, 1-based): chr15:88,847,416, A>C. VCF-style: chr15-88847416-A-C. GRCh37 (hg19) VCF-style: chr15-89390647-A-C.
Other names: c.1603A>C, p.Arg535= (NM_001135.4, NM_001411096.1, NM_001411097.1 and 1 more transcripts).
Identifiers: ClinVar variation 2026170 (VCV002026170.4), dbSNP rs2505272471, ClinGen allele CA492062961.
Genomic context (GRCh38, chr15:88,847,416, plus strand): 5'-GCCGCCTACGAAGCAGGCTATGAGCAGTGTGACGCCGGCTGGCTGCGGGACCAGACCGTC[A>C]GGTGAAGCCATGCTCCTCGCCCAGCCCAAACCCAATTGAAGAGGTCAGGCTTAAGGAGCC-3'
Protein context (NP_001356197.1, residues 525-545): DAGWLRDQTV[Arg535=]YPIVSPRTPC